The following is an entry in ClinVar:

ClinVar aggregate classification (germline): Uncertain significance. Review status: criteria provided, multiple submitters, no conflicts (2 of 4 stars). 4 submissions from 4 submitters: Uncertain significance (4). Last evaluated 2025-11-24.

Conditions:
SPTBN2-related disorder. Also called: SPTBN2-related condition.
Inborn genetic diseases. Identifiers: MedGen C0950123, MeSH D030342.

Allele frequency attached by ClinVar (database versions not stated): gnomAD exomes below 0.00001; TOPMed 0.00001.
gnomAD v4.1: 8 of 1,612,324 alleles (0.0005%); highest among the groups gnomAD compares: South Asian, 0.0011%; no homozygotes.

Submissions (4):

Ambry Genetics
Classification: Uncertain significance for Inborn genetic diseases. Last evaluated: 2025-11-24. Review status: criteria provided, single submitter. Criteria: Ambry Variant Classification Scheme 2023. Collection method: clinical testing. Allele origin: germline.

PreventionGenetics, part of Exact Sciences
Classification: Uncertain significance for SPTBN2-related condition. Last evaluated: 2025-04-23. Review status: criteria provided, single submitter. Criteria: ACMG Guidelines, 2015. Collection method: clinical testing. Allele origin: germline.
Comment: The SPTBN2 c.6620C>T variant is predicted to result in the amino acid substitution p.Thr2207Ile. To our knowledge, this variant has not been reported in the literature. This variant is absent from one large public population database, indicating that this variant is rare in the general population (gnomAD). At this time, the clinical significance of this variant is uncertain due to the absence of conclusive functional and genetic evidence.

Labcorp Genetics (formerly Invitae), Labcorp
Classification: Uncertain significance. Last evaluated: 2024-03-07. Review status: criteria provided, single submitter. Criteria: Invitae Variant Classification Sherloc (09022015). Collection method: clinical testing. Allele origin: germline.
Comment: This sequence change replaces threonine, which is neutral and polar, with isoleucine, which is neutral and non-polar, at codon 2207 of the SPTBN2 protein (p.Thr2207Ile). This variant is not present in population databases (gnomAD no frequency). This variant has not been reported in the literature in individuals affected with SPTBN2-related conditions. ClinVar contains an entry for this variant (Variation ID: 448522). Advanced modeling of protein sequence and biophysical properties (such as structural, functional, and spatial information, amino acid conservation, physicochemical variation, residue mobility, and thermodynamic stability) performed at Invitae indicates that this missense variant is not expected to disrupt SPTBN2 protein function with a negative predictive value of 95%. In summary, the available evidence is currently insufficient to determine the role of this variant in disease. Therefore, it has been classified as a Variant of Uncertain Significance.

Athena Diagnostics
Classification: Uncertain significance. Last evaluated: 2016-09-21. Review status: criteria provided, single submitter. Criteria: Athena Diagnostics Criteria. Collection method: clinical testing. Allele origin: germline.

NM_006946.4(SPTBN2):c.6620C>T (p.Thr2207Ile)

Gene: SPTBN2 (spectrin beta, non-erythrocytic 2; minus strand). Cytogenetic location: 11q13.2.
Variant type: single nucleotide variant.
Coding change: c.6620C>T on transcript NM_006946.4 (MANE Select); coding-DNA position 6620, C replaced by T.
Protein change: p.Thr2207Ile; replaces threonine 2207 with isoleucine.
Molecular consequence: missense variant.
Genome position (GRCh38, 1-based): chr11:66,687,529, G>A on the plus strand (C>T on the coding strand, the complement: SPTBN2 is on the minus strand). VCF-style: chr11-66687529-G-A. GRCh37 (hg19) VCF-style: chr11-66455000-G-A.
Other names: short protein forms T2207I.
Identifiers: ClinVar variation 448522 (VCV000448522.5), dbSNP rs1311464400, ClinGen allele CA381456404.